The following is an entry in ClinVar:

ClinVar aggregate classification (germline): Conflicting classifications of pathogenicity. Review status: criteria provided, conflicting classifications (1 of 4 stars). 8 submissions from 8 submitters: Uncertain significance (1); Benign (3); Likely benign (4). Last evaluated 2026-01-02.

Conditions:
Hypokalemic periodic paralysis, type 1. Also called: HypoPP; Hypokalemic Periodic Paralysis Type 1 (AD). Identifiers: Orphanet 681, MedGen C3714580, MONDO:0042979, OMIM 170400.
Malignant hyperthermia, susceptibility to, 5 (MHS5). Also called: CACNA1S-Related Malignant Hyperthermia Susceptibility. Identifiers: Orphanet 423, MedGen C1866077, MONDO:0011163, OMIM 601887.
Thyrotoxic periodic paralysis, susceptibility to, 1 (TTPP1). Identifiers: Orphanet 79102, MedGen C2749982, MONDO:0008570, OMIM 188580.

Allele frequency attached by ClinVar (database versions not stated): gnomAD 0.00016 and 0.00027; TOPMed 0.00025; gnomAD exomes 0.00027 and 0.00029; 1000 Genomes Project 30x 0.00031; ExAC 0.00035; 1000 Genomes Project 0.00040.
gnomAD v4.1: 444 of 1,613,750 alleles (0.028%); highest among the groups gnomAD compares: East Asian, 0.43%; no homozygotes.

Submissions (8):

Labcorp Genetics (formerly Invitae), Labcorp
Classification: Benign for Hypokalemic periodic paralysis, type 1; Malignant hyperthermia, susceptibility to, 5. Last evaluated: 2026-01-02. Review status: criteria provided, single submitter. Criteria: Invitae Variant Classification Sherloc (09022015). Collection method: clinical testing. Allele origin: germline.

CeGaT Center for Human Genetics Tuebingen
Classification: Likely benign. Last evaluated: 2025-06-01. Review status: criteria provided, single submitter. Criteria: CeGaT Center For Human Genetics Tuebingen Variant Classification Criteria Version 2. Collection method: clinical testing. Allele origin: germline. Affected: yes. Observed: 2 variant alleles.
Comment: CACNA1S: BP4, BP7

Blueprint Genetics
Classification: Likely benign. Last evaluated: 2024-09-23. Review status: criteria provided, single submitter. Criteria: ACMG Guidelines, 2015. Collection method: clinical testing. Allele origin: germline.

GeneDx
Classification: Uncertain significance. Last evaluated: 2022-11-22. Review status: criteria provided, single submitter. Criteria: GeneDx Variant Classification Process June 2021. Collection method: clinical testing. Allele origin: germline. Affected: yes.
Comment: Has not been previously published as pathogenic or benign to our knowledge; In silico analysis suggests this variant may impact gene splicing. In the absence of RNA/functional studies, the actual effect of this sequence change is unknown.

Color Diagnostics, LLC DBA Color Health
Classification: Likely benign for Malignant hyperthermia, susceptibility to, 5. Last evaluated: 2022-11-06. Review status: criteria provided, single submitter. Criteria: ACMG Guidelines, 2015. Collection method: clinical testing. Allele origin: germline.

Fulgent Genetics
Classification: Likely benign for Hypokalemic periodic paralysis, type 1; Thyrotoxic periodic paralysis, susceptibility to, 1; Malignant hyperthermia, susceptibility to, 5. Last evaluated: 2021-09-23. Review status: criteria provided, single submitter. Criteria: ACMG Guidelines, 2015. Collection method: clinical testing. Allele origin: unknown.

Athena Diagnostics
Classification: Benign. Last evaluated: 2020-07-15. Review status: criteria provided, single submitter. Criteria: Athena Diagnostics Criteria. Collection method: clinical testing. Allele origin: unknown.

Illumina Laboratory Services, Illumina
Classification: Benign for Hypokalemic periodic paralysis, type 1. Last evaluated: 2018-01-13. Review status: criteria provided, single submitter. Criteria: ICSL Variant Classification Criteria 13 December 2019. Collection method: clinical testing. Allele origin: germline.
Comment: This variant was observed in the ICSL laboratory as part of a predisposition screen in an ostensibly healthy population. It had not been previously curated by ICSL or reported in the Human Gene Mutation Database (HGMD: prior to June 1st, 2018), and was therefore a candidate for classification through an automated scoring system. Utilizing variant allele frequency, disease prevalence and penetrance estimates, and inheritance mode, an automated score was calculated to assess if this variant is too frequent to cause the disease. Based on the score and internal cut-off values, a variant classified as benign is not then subjected to further curation. The score for this variant resulted in a classification of benign for this disease.

NM_000069.3(CACNA1S):c.1143C>T (p.Phe381=)

Gene: CACNA1S (calcium voltage-gated channel subunit alpha1 S; minus strand). Cytogenetic location: 1q32.1.
Variant type: single nucleotide variant.
Coding change: c.1143C>T on transcript NM_000069.3 (MANE Select); coding-DNA position 1143, C replaced by T.
Protein change: p.Phe381=; no amino-acid change (phenylalanine 381 retained).
Molecular consequence: synonymous variant.
Genome position (GRCh38, 1-based): chr1:201,085,443, G>A on the plus strand (C>T on the coding strand, the complement: CACNA1S is on the minus strand). VCF-style: chr1-201085443-G-A. GRCh37 (hg19) VCF-style: chr1-201054571-G-A.
Identifiers: ClinVar variation 294769 (VCV000294769.50), dbSNP rs144883479, ClinGen allele CA077973.
Genomic context (GRCh38, chr1:201,085,443, plus strand): 5'-AGGTGGGAGTGAGAGAGTGGGGTGAGTGCTGACCACAGCCTTTGGGCCCAAACCTTCTCT[G>A]AAGTCCTCAACATCCATGACCTCGCCCTGCGTGATCCAGCTCATGTAGCCCCGAAGGTCC-3'
Protein context (NP_000060.2, residues 371-391): TQGEVMDVED[Phe381=]REGKLSLDEG